The following is an entry in ClinVar:

NM_001754.5(RUNX1):c.1149G>T (p.Pro383=)

Gene: RUNX1 (RUNX family transcription factor 1; minus strand). Cytogenetic location: 21q22.12.
Variant type: single nucleotide variant.
Coding change: c.1149G>T on transcript NM_001754.5 (MANE Select); coding-DNA position 1149, G replaced by T.
Protein change: p.Pro383=; no amino-acid change (proline 383 retained).
Molecular consequence: synonymous variant.
Genome position (GRCh38, 1-based): chr21:34,792,429, C>A on the plus strand (G>T on the coding strand, the complement: RUNX1 is on the minus strand). VCF-style: chr21-34792429-C-A. GRCh37 (hg19) VCF-style: chr21-36164726-C-A.
Other names: NM_001754.5(RUNX1):c.1149G>T; p.Pro383=; c.1149G>T (NM_001754.4); c.1068G>T, p.Pro356= (NM_001001890.3).
Identifiers: ClinVar variation 1650970 (VCV001650970.10), dbSNP rs1488046521, ClinGen allele CA512341270.
Genomic context (GRCh38, chr21:34,792,429, plus strand): 5'-GTAGGAGGGCGAGCTGGCTTGGAACGGGCCTCCCTGCGCTTGCGACGAGCCGGGGTAGGG[C>A]GGCGGCAGGTAGGTGTGGTAGCGCGTGGCCGAGCCCATGGCCGACATGCCGATGCCGATG-3'
Protein context (NP_001745.2, residues 373-393): SATRYHTYLP[Pro383=]PYPGSSQAQG

ClinVar aggregate classification (germline): Likely benign. Review status: reviewed by expert panel (3 of 4 stars). 3 submissions from 3 submitters: Likely benign (1). 2 of the submissions do not count toward it. Last evaluated 2024-06-24.

Conditions:
Hereditary thrombocytopenia and hematological cancer predisposition syndrome associated with RUNX1. Also called: Familial Platelet Disorder with Propensity to Acute Myelogenous Leukemia; Familial thrombocytopenia with propensity to acute myelogenous leukemia; PLATELET DISORDER, ASPIRIN-LIKE; RUNX1 Familial Platelet Disorder with Associated Myeloid Malignancies. Identifiers: Orphanet 71290, MedGen C1832388, MeSH C563324, MONDO:0100083, OMIM 601399.
Hereditary thrombocytopenia and hematologic cancer predisposition syndrome. Identifiers: Orphanet 71290, MedGen CN281654, MONDO:0011071.
Inborn genetic diseases. Identifiers: MedGen C0950123, MeSH D030342.

Submissions (3):

ClinGen Myeloid Malignancy Variant Curation Expert Panel
Classification: Likely benign for Hereditary thrombocytopenia and hematologic cancer predisposition syndrome. Last evaluated: 2024-06-24. Review status: reviewed by expert panel. Criteria: ClinGen MyeloMalig ACMG Specifications v2. Collection method: curation. Allele origin: germline. Inheritance: Autosomal dominant inheritance.
Comment: NM_001754.5(RUNX1):c.1149G>T (p.Pro383=) is a synonymous variant that is not predicted to impact splicing. This variant has a SpliceAI score ≤ 0.20 (0.0) (BP4). This variant has a SpliceAI score ≤ 0.20 (0.00) and evolutionary conservation prediction algorithms predict the site as not being conserved (PhyloP score ≤ 2.0 (-0.254)) (BP7). This variant is completely absent from all population databases with at least 20x coverage for RUNX1 in gnomAD v2.1.1 and v3.1.2 (PM2_supporting). In summary, this variant meets criteria to be classified as likely benign. ACMG/AMP criteria applied, as specified by the Myeloid Malignancy Variant Curation Expert Panel for RUNX1: BP4, BP7, PM2_supporting.

Ambry Genetics
Classification: Likely benign for Inborn genetic diseases. Last evaluated: 2025-01-04. Review status: criteria provided, single submitter. Criteria: Ambry Variant Classification Scheme 2023. Collection method: clinical testing. Allele origin: germline. Not counted in ClinVar's aggregate classification.

Labcorp Genetics (formerly Invitae), Labcorp
Classification: Likely benign for Hereditary thrombocytopenia and hematological cancer predisposition syndrome associated with RUNX1. Last evaluated: 2022-03-05. Review status: criteria provided, single submitter. Criteria: Invitae Variant Classification Sherloc (09022015). Collection method: clinical testing. Allele origin: germline. Not counted in ClinVar's aggregate classification.